The following is an entry in ClinVar:

ClinVar aggregate classification (germline): Uncertain significance (1 of 4 stars; one submission).

Conditions:
SIM1-related disorder. Also called: SIM1-related disorders; SIM1-related condition.

gnomAD v4.1: 1 of 1,613,962 alleles (0.000062%); highest among the groups gnomAD compares: Non-Finnish European, 0.000085%; no homozygotes.

Submission:

PreventionGenetics, part of Exact Sciences
Classification: Uncertain significance for SIM1-related condition. Last evaluated: 2026-04-11. Review status: criteria provided, single submitter. Criteria: ACMG Guidelines, 2015. Collection method: clinical testing. Allele origin: germline.
Comment: The SIM1 c.1156C>A variant is predicted to result in the amino acid substitution p.Pro386Thr. To our knowledge, this variant has not been reported in the literature or in a large population database (gnomAD), indicating this variant is rare. At this time, the clinical significance of this variant is uncertain due to the absence of conclusive functional and genetic evidence.

NM_005068.3(SIM1):c.1156C>A (p.Pro386Thr)

Genes: SIM1 (SIM bHLH transcription factor 1; minus strand), SIM1-AS1 (SIM1 antisense RNA 1; plus strand). Cytogenetic location: 6q16.3.
Variant type: single nucleotide variant.
Coding change: c.1156C>A on transcript NM_005068.3 (MANE Select); coding-DNA position 1156, C replaced by A.
Protein change: p.Pro386Thr; replaces proline 386 with threonine.
Molecular consequence: missense variant.
Genome position (GRCh38, 1-based): chr6:100,420,801, G>T on the plus strand (C>A on the coding strand, the complement: SIM1 is on the minus strand). VCF-style: chr6-100420801-G-T. GRCh37 (hg19) VCF-style: chr6-100868677-G-T.
Other names: c.1156C>A, p.Pro386Thr (NM_001374769.1); short protein forms P386T.
Identifiers: ClinVar variation 4988617 (VCV004988617.1).